The following is an entry in ClinVar:

NM_006914.4(RORB):c.207G>T (p.Lys69Asn)

Gene: RORB (RAR related orphan receptor B; plus strand). Cytogenetic location: 9q21.13.
Variant type: single nucleotide variant.
Coding change: c.207G>T on transcript NM_006914.4 (MANE Select); coding-DNA position 207, G replaced by T.
Protein change: p.Lys69Asn; replaces lysine 69 with asparagine.
Molecular consequence: missense variant.
Genome position (GRCh38, 1-based): chr9:74,634,744, G>T. VCF-style: chr9-74634744-G-T. GRCh37 (hg19) VCF-style: chr9-77249660-G-T.
Other names: c.240G>T, p.Lys80Asn (NM_001365023.1); short protein forms K69N, K80N.
Identifiers: ClinVar variation 3368602 (VCV003368602.1).
Genomic context (GRCh38, chr9:74,634,744, plus strand): 5'-GAGAAACTGTTTAATTGACAGAACGAACAGAAACCGTTGCCAACACTGCCGACTGCAGAA[G>T]TGTCTTGCCCTAGGAATGTCAAGAGATGGTAAGACATTACCTTCCTGTTTCTTACTTAAG-3'
Protein context (NP_008845.2, residues 59-79): RNRCQHCRLQ[Lys69Asn]CLALGMSRDA

ClinVar aggregate classification (germline): Uncertain significance (1 of 4 stars; one submission).

Submission:

GeneDx
Classification: Uncertain significance. Last evaluated: 2024-01-30. Review status: criteria provided, single submitter. Criteria: GeneDx Variant Classification Process June 2021. Collection method: clinical testing. Allele origin: germline. Affected: yes.
Comment: Not observed at significant frequency in large population cohorts (gnomAD); In silico analysis supports that this missense variant has a deleterious effect on protein structure/function; Has not been previously published as pathogenic or benign to our knowledge